The following is an entry in ClinVar:

NM_000182.5(HADHA):c.1772T>G (p.Val591Gly)

Genes: GAREM2 (GRB2 associated regulator of MAPK1 subtype 2; plus strand), HADHA (hydroxyacyl-CoA dehydrogenase trifunctional multienzyme complex subunit alpha; minus strand). Cytogenetic location: 2p23.3.
Variant type: single nucleotide variant.
Coding change: c.1772T>G on transcript NM_000182.5 (MANE Select); coding-DNA position 1772, T replaced by G.
Protein change: p.Val591Gly; replaces valine 591 with glycine.
Molecular consequence: missense variant.
Genome position (GRCh38, 1-based): chr2:26,193,690, A>C on the plus strand (T>G on the coding strand, the complement: HADHA is on the minus strand). VCF-style: chr2-26193690-A-C. GRCh37 (hg19) VCF-style: chr2-26416559-A-C.
Other names: short protein forms V591G.
Identifiers: ClinVar variation 659825 (VCV000659825.6), dbSNP rs1574602310, ClinGen allele CA346118074.

ClinVar aggregate classification (germline): Uncertain significance (1 of 4 stars; one submission).

Conditions:
Mitochondrial trifunctional protein deficiency. Identifiers: Orphanet 746, MedGen C1969443, MONDO:0012172.
Long chain 3-hydroxyacyl-CoA dehydrogenase deficiency. Also called: LCHAD Deficiency; Deficiency of long-chain 3-hydroxyacyl-coenzyme A dehydrogenase. Identifiers: Orphanet 5, MedGen C3711645, MONDO:0012173, OMIM 609016.

Allele frequency attached by ClinVar (database versions not stated): gnomAD exomes below 0.00001.
gnomAD v4.1: 2 of 1,613,944 alleles (0.00012%); highest among the groups gnomAD compares: South Asian, 0.0022%; no homozygotes.

Submission:

Labcorp Genetics (formerly Invitae), Labcorp
Classification: Uncertain significance for Mitochondrial trifunctional protein deficiency; Long chain 3-hydroxyacyl-CoA dehydrogenase deficiency. Last evaluated: 2021-08-28. Review status: criteria provided, single submitter. Criteria: Invitae Variant Classification Sherloc (09022015). Collection method: clinical testing. Allele origin: germline.
Comment: This sequence change replaces valine with glycine at codon 591 of the HADHA protein (p.Val591Gly). The valine residue is highly conserved and there is a moderate physicochemical difference between valine and glycine. This variant is not present in population databases (ExAC no frequency). This variant has not been reported in the literature in individuals affected with HADHA-related conditions. Algorithms developed to predict the effect of missense changes on protein structure and function are either unavailable or do not agree on the potential impact of this missense change (SIFT: "Deleterious"; PolyPhen-2: "Benign"; Align-GVGD: "Class C0"). Algorithms developed to predict the effect of sequence changes on RNA splicing suggest that this variant may create or strengthen a splice site. In summary, the available evidence is currently insufficient to determine the role of this variant in disease. Therefore, it has been classified as a Variant of Uncertain Significance.